The following is an entry in ClinVar:

NM_001386298.1(CIC):c.6652A>G (p.Ser2218Gly)

Gene: CIC (capicua transcriptional repressor; plus strand). Cytogenetic location: 19q13.2.
Variant type: single nucleotide variant.
Coding change: c.6652A>G on transcript NM_001386298.1 (MANE Select); coding-DNA position 6652, A replaced by G.
Protein change: p.Ser2218Gly; replaces serine 2218 with glycine.
Molecular consequence: missense variant.
Genome position (GRCh38, 1-based): chr19:42,293,721, A>G. VCF-style: chr19-42293721-A-G. GRCh37 (hg19) VCF-style: chr19-42797873-A-G.
Other names: c.6652A>G, p.Ser2218Gly (NM_001304815.2, NM_001379482.1); c.6649A>G, p.Ser2217Gly (NM_001379480.1); c.3925A>G, p.Ser1309Gly (NM_001379484.1, NM_001379485.1, NM_015125.5); short protein forms S1309G, S2218G, S2217G.
Identifiers: ClinVar variation 133914 (VCV000133914.1), dbSNP rs587778205, ClinGen allele CA158146.

ClinVar aggregate classification (germline): not provided (0 of 4 stars; one submission).

Submission:

ITMI
No classification provided. Condition: AllHighlyPenetrant. Last evaluated: 2013-09-19. Review status: no classification provided. Collection method: reference population. Allele origin: germline.
Comment: Please see associated publication for description of ethnicities

Literature cited by the submitters: PubMed 24728327.